The following is an entry in ClinVar:

NM_000760.4(CSF3R):c.2441G>A (p.Gly814Glu)

Gene: CSF3R (colony stimulating factor 3 receptor; minus strand). Cytogenetic location: 1p34.3.
Variant type: single nucleotide variant.
Coding change: c.2441G>A on transcript NM_000760.4 (MANE Select); coding-DNA position 2441, G replaced by A.
Protein change: p.Gly814Glu; replaces glycine 814 with glutamic acid.
Molecular consequence: missense variant. On other transcripts: intron variant (1).
Genome position (GRCh38, 1-based): chr1:36,466,427, C>T on the plus strand (G>A on the coding strand, the complement: CSF3R is on the minus strand). VCF-style: chr1-36466427-C-T. GRCh37 (hg19) VCF-style: chr1-36932028-C-T.
Other names: c.2522G>A, p.Gly841Glu (NM_156039.3); c.2247+194G>A (NM_172313.3); short protein forms G841E, G814E.
Identifiers: ClinVar variation 1948411 (VCV001948411.5), dbSNP rs2521720067, ClinGen allele CA339412765.

ClinVar aggregate classification (germline): Uncertain significance (1 of 4 stars; one submission).

Conditions:
Autosomal recessive severe congenital neutropenia due to CSF3R deficiency. Also called: Neutropenia, severe congenital, 7, autosomal recessive. Identifiers: Orphanet 420702, MedGen C4310764, MONDO:0014865, OMIM 617014.

Allele frequency attached by ClinVar (database versions not stated): gnomAD exomes below 0.00001.
gnomAD v4.1: 4 of 1,613,666 alleles (0.00025%); highest among the groups gnomAD compares: Non-Finnish European, 0.00034%; no homozygotes.

Submission:

Labcorp Genetics (formerly Invitae), Labcorp
Classification: Uncertain significance for Autosomal recessive severe congenital neutropenia due to CSF3R deficiency. Last evaluated: 2024-04-19. Review status: criteria provided, single submitter. Criteria: Invitae Variant Classification Sherloc (09022015). Collection method: clinical testing. Allele origin: germline.
Comment: This sequence change replaces glycine, which is neutral and non-polar, with glutamic acid, which is acidic and polar, at codon 814 of the CSF3R protein (p.Gly814Glu). This variant is not present in population databases (gnomAD no frequency). This variant has not been reported in the literature in individuals affected with CSF3R-related conditions. ClinVar contains an entry for this variant (Variation ID: 1948411). Algorithms developed to predict the effect of missense changes on protein structure and function output the following: SIFT: "Not Available"; PolyPhen-2: "Benign"; Align-GVGD: "Not Available". The glutamic acid amino acid residue is found in multiple mammalian species, which suggests that this missense change does not adversely affect protein function. In summary, the available evidence is currently insufficient to determine the role of this variant in disease. Therefore, it has been classified as a Variant of Uncertain Significance.